The following is an entry in ClinVar:

ClinVar aggregate classification (germline): Conflicting classifications of pathogenicity. Review status: criteria provided, conflicting classifications (1 of 4 stars). 6 submissions from 6 submitters: Uncertain significance (1); Benign (1); Likely benign (4). Last evaluated 2026-08-01.

Conditions:
Collagen 6-related myopathy. Identifiers: MedGen CN117976, MONDO:0100225.
Bethlem myopathy 1A. Also called: Bethlem Muscular Dystrophy; MYOPATHY, BENIGN CONGENITAL, WITH CONTRACTURES; Bethlem myopathy 1. Identifiers: Orphanet 610, MedGen CN029274, MONDO:0024530, OMIM 158810.

Allele frequency attached by ClinVar (database versions not stated): TOPMed 0.00012; 1000 Genomes Project 30x 0.00016; 1000 Genomes Project 0.00020; gnomAD exomes 0.00020 and 0.00023; gnomAD 0.00022 and 0.00025; ExAC 0.00027; ESP Exome Variant Server 0.00038.
gnomAD v4.1: 341 of 1,611,748 alleles (0.021%); highest among the groups gnomAD compares: South Asian, 0.047%; 2 homozygotes.

Submissions (6):

CeGaT Center for Human Genetics Tuebingen
Classification: Likely benign. Last evaluated: 2026-08-01. Review status: criteria provided, single submitter. Criteria: CeGaT Center For Human Genetics Tuebingen Variant Classification Criteria Version 2. Collection method: clinical testing. Allele origin: germline. Affected: yes. Observed: 1 variant allele.
Comment: COL6A1: BP4, BP7

Labcorp Genetics (formerly Invitae), Labcorp
Classification: Likely benign for Bethlem myopathy 1A. Last evaluated: 2026-01-14. Review status: criteria provided, single submitter. Criteria: Invitae Variant Classification Sherloc (09022015). Collection method: clinical testing. Allele origin: germline.

Blueprint Genetics
Classification: Likely benign. Last evaluated: 2024-02-28. Review status: criteria provided, single submitter. Criteria: ACMG Guidelines, 2015. Collection method: clinical testing. Allele origin: germline.

GeneDx
Classification: Likely benign. Last evaluated: 2019-09-10. Review status: criteria provided, single submitter. Criteria: GeneDx Variant Classification Process June 2021. Collection method: clinical testing. Allele origin: germline. Affected: yes.
Comment: This variant is associated with the following publications: (PMID: 30564623)

Illumina Laboratory Services, Illumina
Classification: Benign for Collagen VI-related myopathy. Last evaluated: 2018-01-12. Review status: criteria provided, single submitter. Criteria: ICSL Variant Classification Criteria 13 December 2019. Collection method: clinical testing. Allele origin: germline.
Comment: This variant was observed in the ICSL laboratory as part of a predisposition screen in an ostensibly healthy population. It had not been previously curated by ICSL or reported in the Human Gene Mutation Database (HGMD: prior to June 1st, 2018), and was therefore a candidate for classification through an automated scoring system. Utilizing variant allele frequency, disease prevalence and penetrance estimates, and inheritance mode, an automated score was calculated to assess if this variant is too frequent to cause the disease. Based on the score and internal cut-off values, a variant classified as benign is not then subjected to further curation. The score for this variant resulted in a classification of benign for this disease.

Eurofins Ntd Llc (ga)
Classification: Uncertain significance. Last evaluated: 2017-10-13. Review status: criteria provided, single submitter. Criteria: EGL Classification Definitions 2015. Collection method: clinical testing. Allele origin: germline. Observed: 7 variant alleles, 7 heterozygotes.

NM_001848.3(COL6A1):c.2856C>T (p.Pro952=)

Gene: COL6A1 (collagen type VI alpha 1 chain; plus strand). Cytogenetic location: 21q22.3.
Variant type: single nucleotide variant.
Coding change: c.2856C>T on transcript NM_001848.3 (MANE Select); coding-DNA position 2856, C replaced by T.
Protein change: p.Pro952=; no amino-acid change (proline 952 retained).
Molecular consequence: synonymous variant.
Genome position (GRCh38, 1-based): chr21:46,003,782, C>T. VCF-style: chr21-46003782-C-T. GRCh37 (hg19) VCF-style: chr21-47423696-C-T.
Identifiers: ClinVar variation 285248 (VCV000285248.24), dbSNP rs140427635, ClinGen allele CA10071052.
Genomic context (GRCh38, chr21:46,003,782, plus strand): 5'-CGGCGCTGCCAAGAAGAGGCTGCTGCTCTTCTCAGATGGCAACTCGCAGGGCGCCACGCC[C>T]GCTGCCATCGAGAAGGCCGTGCAGGAAGCCCAGCGGGCAGGCATCGAGATCTTCGTGGTG-3'
Protein context (NP_001839.2, residues 942-962): FSDGNSQGAT[Pro952=]AAIEKAVQEA